The following is an entry in ClinVar:

NM_033116.6(NEK9):c.727G>T (p.Glu243Ter)

Gene: NEK9 (NIMA related kinase 9; minus strand). Cytogenetic location: 14q24.3.
Variant type: single nucleotide variant.
Coding change: c.727G>T on transcript NM_033116.6 (MANE Select); coding-DNA position 727, G replaced by T.
Protein change: p.Glu243Ter; replaces glutamic acid 243 with a stop codon.
Molecular consequence: nonsense.
Genome position (GRCh38, 1-based): chr14:75,117,230, C>A on the plus strand (G>T on the coding strand, the complement: NEK9 is on the minus strand). VCF-style: chr14-75117230-C-A. GRCh37 (hg19) VCF-style: chr14-75583933-C-A.
Other names: c.727G>T, p.Glu243Ter (NM_001329237.2); c.373G>T, p.Glu125Ter (NM_001329238.2); short protein forms E243*, E125*.
Identifiers: ClinVar variation 373375 (VCV000373375.4), dbSNP rs901508820, ClinGen allele CA16042863.

ClinVar aggregate classification (germline): Pathogenic (1 of 4 stars; one submission).

Allele frequency attached by ClinVar (database versions not stated): gnomAD exomes 0.00001; TOPMed 0.00001; gnomAD 0.00002.
gnomAD v4.1: 19 of 1,613,742 alleles (0.0012%); highest among the groups gnomAD compares: Non-Finnish European, 0.0015%; no homozygotes.

Submission:

GeneDx
Classification: Pathogenic. Last evaluated: 2024-05-06. Review status: criteria provided, single submitter. Criteria: GeneDx Variant Classification Process June 2021. Collection method: clinical testing. Allele origin: germline. Affected: yes.
Comment: Nonsense variant predicted to result in protein truncation or nonsense mediated decay in a gene for which loss of function is a known mechanism of disease; Not observed at significant frequency in large population cohorts (gnomAD); Has not been previously published as pathogenic or benign to our knowledge